The following is an entry in ClinVar:

ClinVar aggregate classification (germline): Uncertain significance. Review status: criteria provided, multiple submitters, no conflicts (2 of 4 stars). 2 submissions from 2 submitters: Uncertain significance (2). Last evaluated 2024-12-18.

Conditions:
Recessive dystrophic epidermolysis bullosa (RDEB). Also called: DYSTROPHIC EPIDERMOLYSIS BULLOSA, AUTOSOMAL RECESSIVE; EPIDERMOLYSIS BULLOSA DYSTROPHICA, HALLOPEAU-SIEMENS TYPE; Hallopeau-Siemens Disease; severe generalized recessive dystrophic epidermolysis bullosa; EPIDERMOLYSIS BULLOSA DYSTROPHICA, GENERALIZED SEVERE, AUTOSOMAL RECESSIVE; Epidermolysis Bullosa Distrophica Autosomal Recessive (RDEB). Identifiers: Orphanet 79408, Orphanet 79409, MedGen C0079474, MONDO:0009179, OMIM 226600.

Allele frequency attached by ClinVar (database versions not stated): gnomAD exomes below 0.00001.
gnomAD v4.1: 4 of 1,613,866 alleles (0.00025%); highest among the groups gnomAD compares: African/African-American, 0.0027%; no homozygotes.

Submissions (2):

Genomic Medicine Center of Excellence, King Faisal Specialist Hospital and Research Centre
Classification: Uncertain significance for Recessive dystrophic epidermolysis bullosa. Last evaluated: 2024-12-18. Review status: criteria provided, single submitter. Criteria: ACMG Guidelines, 2015. Collection method: clinical testing. Allele origin: germline.

CeGaT Center for Human Genetics Tuebingen
Classification: Uncertain significance. Last evaluated: 2023-09-01. Review status: criteria provided, single submitter. Criteria: CeGaT Center For Human Genetics Tuebingen Variant Classification Criteria Version 2. Collection method: clinical testing. Allele origin: germline. Affected: yes. Observed: 1 variant allele.
Comment: COL7A1: PM2

NM_000094.4(COL7A1):c.3503C>G (p.Pro1168Arg)

Gene: COL7A1 (collagen type VII alpha 1 chain; minus strand). Cytogenetic location: 3p21.31.
Variant type: single nucleotide variant.
Coding change: c.3503C>G on transcript NM_000094.4 (MANE Select); coding-DNA position 3503, C replaced by G.
Protein change: p.Pro1168Arg; replaces proline 1168 with arginine.
Molecular consequence: missense variant.
Genome position (GRCh38, 1-based): chr3:48,586,379, G>C on the plus strand (C>G on the coding strand, the complement: COL7A1 is on the minus strand). VCF-style: chr3-48586379-G-C. GRCh37 (hg19) VCF-style: chr3-48623812-G-C.
Other names: short protein forms P1168R.
Identifiers: ClinVar variation 2653794 (VCV002653794.24), dbSNP rs2045260406, ClinGen allele CA352704918.
Genomic context (GRCh38, chr3:48,586,379, plus strand): 5'-GCCTACTCCTTACCAGAAGCCTGGGCCTCACGGATGGGGCTGAATATGTCACCTCTCAAG[G>C]GTTCATCCACTAGCAGAACCATCACCCCTGGTACGTGCTGGCGGCGCCCAGGAGCATCTG-3'
Protein context (NP_000085.1, residues 1158-1178): PGVMVLLVDE[Pro1168Arg]LRGDIFSPIR